The following is an entry in ClinVar:

ClinVar aggregate classification (germline): Uncertain significance. Review status: criteria provided, multiple submitters, no conflicts (2 of 4 stars). 2 submissions from 2 submitters: Uncertain significance (2). Last evaluated 2024-10-11.

Conditions:
Mitochondrial trifunctional protein deficiency. Identifiers: Orphanet 746, MedGen C1969443, MONDO:0012172.

Allele frequency attached by ClinVar (database versions not stated): gnomAD 0.00002.
gnomAD v4.1: 15 of 1,612,594 alleles (0.00093%); highest among the groups gnomAD compares: African/African-American, 0.0067%; no homozygotes.

Submissions (2):

Blueprint Genetics
Classification: Uncertain significance. Last evaluated: 2024-10-11. Review status: criteria provided, single submitter. Criteria: ACMG Guidelines, 2015. Collection method: clinical testing. Allele origin: germline.

Labcorp Genetics (formerly Invitae), Labcorp
Classification: Uncertain significance for Mitochondrial trifunctional protein deficiency. Last evaluated: 2022-06-20. Review status: criteria provided, single submitter. Criteria: Invitae Variant Classification Sherloc (09022015). Collection method: clinical testing. Allele origin: germline.
Comment: This sequence change replaces alanine, which is neutral and non-polar, with valine, which is neutral and non-polar, at codon 322 of the HADHB protein (p.Ala322Val). This variant is present in population databases (rs758786432, gnomAD 0.008%). This variant has not been reported in the literature in individuals affected with HADHB-related conditions. Algorithms developed to predict the effect of missense changes on protein structure and function are either unavailable or do not agree on the potential impact of this missense change (SIFT: "Deleterious"; PolyPhen-2: "Benign"; Align-GVGD: "Class C0"). In summary, the available evidence is currently insufficient to determine the role of this variant in disease. Therefore, it has been classified as a Variant of Uncertain Significance.

NM_000183.3(HADHB):c.965C>T (p.Ala322Val)

Gene: HADHB (hydroxyacyl-CoA dehydrogenase trifunctional multienzyme complex subunit beta; plus strand). Cytogenetic location: 2p23.3.
Variant type: single nucleotide variant.
Coding change: c.965C>T on transcript NM_000183.3 (MANE Select); coding-DNA position 965, C replaced by T.
Protein change: p.Ala322Val; replaces alanine 322 with valine.
Molecular consequence: missense variant.
Genome position (GRCh38, 1-based): chr2:26,282,876, C>T. VCF-style: chr2-26282876-C-T. GRCh37 (hg19) VCF-style: chr2-26505744-C-T.
Other names: c.920C>T, p.Ala307Val (NM_001281512.2); c.899C>T, p.Ala300Val (NM_001281513.2); short protein forms A322V, A307V, A300V.
Identifiers: ClinVar variation 1471418 (VCV001471418.6), dbSNP rs758786432, ClinGen allele CA1560400.